The following is an entry in ClinVar:

ClinVar aggregate classification (germline): Uncertain significance. Review status: criteria provided, multiple submitters, no conflicts (2 of 4 stars). 2 submissions from 2 submitters: Uncertain significance (2). Last evaluated 2025-12-16.

Conditions:
Inborn genetic diseases. Identifiers: MedGen C0950123, MeSH D030342.
2-aminoadipic 2-oxoadipic aciduria (AAKAD). Also called: Aminoadipic aciduria; ALPHA-AMINOADIPIC AND ALPHA-KETOADIPIC ACIDURIA. Identifiers: Orphanet 79154, MedGen C1859817, MONDO:0008774, OMIM 204750.

Allele frequency attached by ClinVar (database versions not stated): gnomAD 0.00005; TOPMed 0.00011.
gnomAD v4.1: 12 of 1,614,032 alleles (0.00074%); highest among the groups gnomAD compares: Admixed American, 0.017%; no homozygotes.

Submissions (2):

Labcorp Genetics (formerly Invitae), Labcorp
Classification: Uncertain significance for 2-aminoadipic 2-oxoadipic aciduria. Last evaluated: 2025-12-16. Review status: criteria provided, single submitter. Criteria: Invitae Variant Classification Sherloc (09022015). Collection method: clinical testing. Allele origin: germline.
Comment: This sequence change replaces glutamic acid, which is acidic and polar, with lysine, which is basic and polar, at codon 151 of the DHTKD1 protein (p.Glu151Lys). This variant is not present in population databases (gnomAD no frequency). This variant has not been reported in the literature in individuals affected with DHTKD1-related conditions. ClinVar contains an entry for this variant (Variation ID: 2719903). Invitae Evidence Modeling of protein sequence and biophysical properties (such as structural, functional, and spatial information, amino acid conservation, physicochemical variation, residue mobility, and thermodynamic stability) indicates that this missense variant is expected to disrupt DHTKD1 protein function with a positive predictive value of 80%. In summary, the available evidence is currently insufficient to determine the role of this variant in disease. Therefore, it has been classified as a Variant of Uncertain Significance.

Ambry Genetics
Classification: Uncertain significance for Inborn genetic diseases. Last evaluated: 2024-01-29. Review status: criteria provided, single submitter. Criteria: Ambry Variant Classification Scheme 2023. Collection method: clinical testing. Allele origin: germline.

NM_018706.7(DHTKD1):c.451G>A (p.Glu151Lys)

Gene: DHTKD1 (dehydrogenase E1 and transketolase domain containing 1; plus strand). Cytogenetic location: 10p14.
Variant type: single nucleotide variant.
Coding change: c.451G>A on transcript NM_018706.7 (MANE Select); coding-DNA position 451, G replaced by A.
Protein change: p.Glu151Lys; replaces glutamic acid 151 with lysine.
Molecular consequence: missense variant.
Genome position (GRCh38, 1-based): chr10:12,084,680, G>A. VCF-style: chr10-12084680-G-A. GRCh37 (hg19) VCF-style: chr10-12126679-G-A.
Other names: c.451G>A (NM_018706.5); short protein forms E151K.
Identifiers: ClinVar variation 2719903 (VCV002719903.4), dbSNP rs908926249, ClinGen allele CA202580744.